The following is an entry in ClinVar:

NM_001165963.4(SCN1A):c.566del (p.Pro189fs)

Gene: SCN1A (sodium voltage-gated channel alpha subunit 1; minus strand). Cytogenetic location: 2q24.3.
Variant type: Deletion.
Coding change: c.566del on transcript NM_001165963.4 (MANE Select); coding-DNA position 566, one base deleted (C; older notation c.566delC).
Protein change: p.Pro189fs; shifts the reading frame from proline 189.
Molecular consequence: frameshift variant. On other transcripts: 5 prime UTR variant (1), non-coding transcript variant (1).
Genome position (GRCh38, 1-based): chr2:166,054,674, G deleted on the plus strand (C on the coding strand, the reverse complement: SCN1A is on the minus strand); the first of 2 consecutive G bases (chr2:166,054,674-166,054,675); deleting either gives the same sequence. VCF-style (leftmost placement, unchanged base first): chr2-166054673-TG-T. GRCh37 (hg19) VCF-style: chr2-166911183-TG-T.
Other names: c.566del, p.Pro189fs (NM_001202435.3, NM_001353948.2, NM_001353949.2 and 10 more transcripts); c.-1860del (NM_001353961.2); short protein forms P189fs.
Identifiers: ClinVar variation 461282 (VCV000461282.9), dbSNP rs1553551385, ClinGen allele CA658657099.

ClinVar aggregate classification (germline): Pathogenic/Likely pathogenic. Review status: criteria provided, multiple submitters, no conflicts (2 of 4 stars). 2 submissions from 2 submitters: Pathogenic (1); Likely pathogenic (1). Last evaluated 2021-09-13.

Conditions:
Developmental and epileptic encephalopathy 6B. Also called: Developmental and epileptic encephalopathy 6B, non-Dravet. Identifiers: MedGen C5543353, MONDO:0030268, OMIM 619317.
Early-infantile DEE. Also called: Early infantile epileptic encephalopathy; Early infantile epileptic encephalopathy with suppression bursts; Ohtahara syndrome. Identifiers: Orphanet 1934, MedGen C0393706, MONDO:0800491.

Submissions (2):

MGZ Medical Genetics Center
Classification: Likely pathogenic for Developmental and epileptic encephalopathy 6B. Last evaluated: 2021-09-13. Review status: criteria provided, single submitter. Criteria: ACMG Guidelines, 2015. Collection method: clinical testing. Allele origin: germline. Affected: yes. Observed: 1 variant allele.
Comment: ACMG criteria applied: PVS1, PM2_SUP

Labcorp Genetics (formerly Invitae), Labcorp
Classification: Pathogenic for Early-infantile DEE. Last evaluated: 2017-02-20. Review status: criteria provided, single submitter. Criteria: Invitae Variant Classification Sherloc (09022015). Collection method: clinical testing. Allele origin: germline.
Comment: For these reasons, this variant has been classified as Pathogenic. This sequence change deletes 1 nucleotide from exon 4 of the SCN1A mRNA (c.566delC), causing a frameshift at codon 189. This creates a premature translational stop signal (p.Pro189Hisfs*27) and is expected to result in an absent or disrupted protein product. While this particular variant has not been reported in the literature, loss-of-function variants in SCN1A are known to be pathogenic (PMID: 17347258, 18930999).

Literature cited by the submitters: PubMed 17347258 (cited by Labcorp Genetics (formerly Invitae), Labcorp); PubMed 18930999 (cited by Labcorp Genetics (formerly Invitae), Labcorp).